The following is an entry in ClinVar:

NM_024685.4(BBS10):c.1195_1197del (p.Leu399del)

Gene: BBS10 (Bardet-Biedl syndrome 10; minus strand). Cytogenetic location: 12q21.2.
Variant type: Deletion.
Coding change: c.1195_1197del on transcript NM_024685.4 (MANE Select); coding-DNA positions 1195 to 1197, 3 bases deleted (CTT; older notation c.1195_1197delCTT).
Protein change: p.Leu399del; deletes leucine 399.
Molecular consequence: inframe deletion.
Genome position (GRCh38, 1-based): chr12:76,346,788-76,346,790, AAG deleted on the plus strand (CTT on the coding strand, the reverse complement: BBS10 is on the minus strand); deleting any 3 consecutive bases within chr12:76,346,788-76,346,792 gives the same sequence; the c. name uses the placement nearest the transcript's 3' end. VCF-style (leftmost placement, unchanged base first): chr12-76346787-AAAG-A. GRCh37 (hg19) VCF-style: chr12-76740567-AAAG-A.
Other names: short protein forms L399del.
Identifiers: ClinVar variation 5004626 (VCV005004626.1).
Genomic context (GRCh38, chr12:76,346,787, plus strand): 5'-TTTTAAGTGCTCCATGTAAAGCATCCTCATGTTGTTCAATGAGACCATGCACTGGTCCAC[AAAG>A]AACTATAGAGTGTGGTATAAATGCACATGTGCTTATCAAGCCTAGATGAACATATCTTTT-3'

ClinVar aggregate classification (germline): Uncertain significance (1 of 4 stars; one submission).

Conditions:
Bardet-Biedl syndrome 10 (BBS10). Identifiers: Orphanet 110, MedGen C1859568, MONDO:0014438, OMIM 615987.

Submission:

Myriad Genetics, Inc.
Classification: Uncertain significance for Bardet-Biedl syndrome 10. Last evaluated: 2026-04-24. Review status: criteria provided, single submitter. Criteria: Myriad Autosomal Dominant, Autosomal Recessive and X-Linked Classification Criteria (2023). Collection method: clinical testing. Allele origin: unknown.
Comment: NM_024685.3(BBS10):c.1195_1197delCTT(L399del) is an in-frame deletion classified as a variant of uncertain significance in the context of Bardet-Biedl syndrome, BBS10-related. L399del has been observed in a case with relevant disease (PMID: 38927698). Relevant functional assessments of this variant are not available in the literature. L399del has not been observed in referenced population frequency databases. In summary, there is insufficient evidence to classify NM_024685.3(BBS10):c.1195_1197delCTT(L399del) as pathogenic or benign. Please note: this variant was assessed in the context of healthy population screening.

Literature cited by the submitters: PubMed 38927698.